The following is an entry in ClinVar:

ClinVar aggregate classification (germline): Uncertain significance (1 of 4 stars; one submission).

Conditions:
Combined immunodeficiency due to ZAP70 deficiency (IMD48). Also called: Immunodeficiency 48; ZAP70 Deficiency. Identifiers: Orphanet 911, MedGen C2931299, MONDO:0010023, OMIM 269840.

gnomAD v4.1: 12 of 1,614,016 alleles (0.00074%); highest among the groups gnomAD compares: African/African-American, 0.0013%; no homozygotes.

Submission:

Labcorp Genetics (formerly Invitae), Labcorp
Classification: Uncertain significance for Combined immunodeficiency due to ZAP70 deficiency. Last evaluated: 2024-12-31. Review status: criteria provided, single submitter. Criteria: Invitae Variant Classification Sherloc (09022015). Collection method: clinical testing. Allele origin: germline.
Comment: This sequence change replaces valine, which is neutral and non-polar, with isoleucine, which is neutral and non-polar, at codon 467 of the ZAP70 protein (p.Val467Ile). This variant is present in population databases (rs766082644, gnomAD 0.004%). This variant has not been reported in the literature in individuals affected with ZAP70-related conditions. An algorithm developed to predict the effect of missense changes on protein structure and function (PolyPhen-2) suggests that this variant is likely to be disruptive. In summary, the available evidence is currently insufficient to determine the role of this variant in disease. Therefore, it has been classified as a Variant of Uncertain Significance.

NM_001079.4(ZAP70):c.1399G>A (p.Val467Ile)

Gene: ZAP70 (zeta chain of T cell receptor associated protein kinase 70; plus strand). Cytogenetic location: 2q11.2.
Variant type: single nucleotide variant.
Coding change: c.1399G>A on transcript NM_001079.4 (MANE Select); coding-DNA position 1399, G replaced by A.
Protein change: p.Val467Ile; replaces valine 467 with isoleucine.
Molecular consequence: missense variant.
Genome position (GRCh38, 1-based): chr2:97,737,582, G>A. VCF-style: chr2-97737582-G-A. GRCh37 (hg19) VCF-style: chr2-98354045-G-A.
Other names: c.1399G>A, p.Val467Ile (NM_001378594.1); c.478G>A, p.Val160Ile (NM_207519.2); short protein forms V467I, V160I.
Identifiers: ClinVar variation 3707046 (VCV003707046.1).